The following is an entry in ClinVar:

ClinVar aggregate classification (germline): Uncertain significance (1 of 4 stars; one submission).

Submission:

Labcorp Genetics (formerly Invitae), Labcorp
Classification: Uncertain significance. Last evaluated: 2024-02-24. Review status: criteria provided, single submitter. Criteria: Invitae Variant Classification Sherloc (09022015). Collection method: clinical testing. Allele origin: germline.
Comment: This sequence change replaces valine, which is neutral and non-polar, with alanine, which is neutral and non-polar, at codon 56 of the MLC1 protein (p.Val56Ala). This variant is not present in population databases (gnomAD no frequency). This variant has not been reported in the literature in individuals affected with MLC1-related conditions. ClinVar contains an entry for this variant (Variation ID: 1958223). Advanced modeling of protein sequence and biophysical properties (such as structural, functional, and spatial information, amino acid conservation, physicochemical variation, residue mobility, and thermodynamic stability) performed at Invitae indicates that this missense variant is not expected to disrupt MLC1 protein function with a negative predictive value of 80%. In summary, the available evidence is currently insufficient to determine the role of this variant in disease. Therefore, it has been classified as a Variant of Uncertain Significance.

NM_015166.4(MLC1):c.167T>C (p.Val56Ala)

Gene: MLC1 (modulator of VRAC current 1; minus strand). Cytogenetic location: 22q13.33.
Variant type: single nucleotide variant.
Coding change: c.167T>C on transcript NM_015166.4 (MANE Select); coding-DNA position 167, T replaced by C.
Protein change: p.Val56Ala; replaces valine 56 with alanine.
Molecular consequence: missense variant. On other transcripts: non-coding transcript variant (3), intron variant (1).
Genome position (GRCh38, 1-based): chr22:50,084,736, A>G on the plus strand (T>C on the coding strand, the complement: MLC1 is on the minus strand). VCF-style: chr22-50084736-A-G. GRCh37 (hg19) VCF-style: chr22-50523165-A-G.
Other names: c.167T>C, p.Val56Ala (NM_001376472.1, NM_001376473.1, NM_001376474.1 and 10 more transcripts); c.-59+619T>C (NM_001376484.1); short protein forms V56A.
Identifiers: ClinVar variation 1958223 (VCV001958223.4), dbSNP rs2062237937, ClinGen allele CA412112248.